The following is an entry in ClinVar:

ClinVar aggregate classification (germline): Uncertain significance. Review status: criteria provided, multiple submitters, no conflicts (2 of 4 stars). 3 submissions from 3 submitters: Uncertain significance (3). Last evaluated 2026-08-16.

Conditions:
Loeys-Dietz syndrome 4 (LDS4). Also called: ANEURYSM, AORTIC AND CEREBRAL, WITH ARTERIAL TORTUOSITY AND SKELETAL MANIFESTATIONS; TGFB2-Related Loeys-Dietz Syndrome. Identifiers: MedGen C3553762, MONDO:0013897, OMIM 614816.
Familial thoracic aortic aneurysm and aortic dissection (TAAD). Also called: Thoracic aortic aneurysms and dissections. Identifiers: Orphanet 91387, MedGen C4707243, MONDO:0019625.

Allele frequency attached by ClinVar (database versions not stated): gnomAD 0.00001.
gnomAD v4.1: 1 of 1,614,042 alleles (0.000062%); highest among the groups gnomAD compares: Admixed American, 0.0017%; no homozygotes.

Submissions (3):

Ambry Genetics
Classification: Uncertain significance for Familial thoracic aortic aneurysm and aortic dissection. Last evaluated: 2026-08-16. Review status: criteria provided, single submitter. Criteria: Ambry Variant Classification Scheme 2023. Collection method: clinical testing. Allele origin: germline.
Comment: The p.S20T variant (also known as c.59G>C), located in coding exon 1 of the TGFB2 gene, results from a G to C substitution at nucleotide position 59. The serine at codon 20 is replaced by threonine, an amino acid with similar properties. This amino acid position is conserved. In addition, this alteration is predicted to be tolerated by in silico analysis. Based on the available evidence, the clinical significance of this variant remains unclear.

Labcorp Genetics (formerly Invitae), Labcorp
Classification: Uncertain significance for Loeys-Dietz syndrome 4. Last evaluated: 2024-04-16. Review status: criteria provided, single submitter. Criteria: Invitae Variant Classification Sherloc (09022015). Collection method: clinical testing. Allele origin: germline.
Comment: This sequence change replaces serine, which is neutral and polar, with threonine, which is neutral and polar, at codon 20 of the TGFB2 protein (p.Ser20Thr). This variant is not present in population databases (gnomAD no frequency). This variant has not been reported in the literature in individuals affected with TGFB2-related conditions. ClinVar contains an entry for this variant (Variation ID: 2581605). Advanced modeling of protein sequence and biophysical properties (such as structural, functional, and spatial information, amino acid conservation, physicochemical variation, residue mobility, and thermodynamic stability) performed at Invitae indicates that this missense variant is not expected to disrupt TGFB2 protein function with a negative predictive value of 95%. Algorithms developed to predict the effect of sequence changes on RNA splicing suggest that this variant may create or strengthen a splice site. In summary, the available evidence is currently insufficient to determine the role of this variant in disease. Therefore, it has been classified as a Variant of Uncertain Significance.

Women's Health and Genetics/Laboratory Corporation of America, LabCorp
Classification: Uncertain significance. Last evaluated: 2023-08-09. Review status: criteria provided, single submitter. Criteria: LabCorp Variant Classification Summary - May 2015. Collection method: clinical testing. Allele origin: germline.
Comment: Variant summary: TGFB2 c.59G>C (p.Ser20Thr) results in a conservative amino acid change in the encoded protein sequence. Four of five in-silico tools predict a benign effect of the variant on protein function. The variant was absent in 251440 control chromosomes. The available data on variant occurrences in the general population are insufficient to allow any conclusion about variant significance. To our knowledge, no occurrence of c.59G>C in individuals affected with Loeys-Dietz Syndrome and no experimental evidence demonstrating its impact on protein function have been reported. No submitters have cited clinical-significance assessments for this variant to ClinVar after 2014. Based on the evidence outlined above, the variant was classified as uncertain significance.

NM_003238.6(TGFB2):c.59G>C (p.Ser20Thr)

Gene: TGFB2 (transforming growth factor beta 2; plus strand). Cytogenetic location: 1q41.
Variant type: single nucleotide variant.
Coding change: c.59G>C on transcript NM_003238.6 (MANE Select); coding-DNA position 59, G replaced by C.
Protein change: p.Ser20Thr; replaces serine 20 with threonine.
Molecular consequence: missense variant. On other transcripts: non-coding transcript variant (2).
Genome position (GRCh38, 1-based): chr1:218,346,760, G>C. VCF-style: chr1-218346760-G-C. GRCh37 (hg19) VCF-style: chr1-218520102-G-C.
Other names: c.59G>C (NM_003238.3); c.59G>C, p.Ser20Thr (NM_001135599.4); short protein forms S20T.
Identifiers: ClinVar variation 2581605 (VCV002581605.4), dbSNP rs1656695125, ClinGen allele CA344725187.